The following is an entry in ClinVar:

ClinVar aggregate classification (germline): Uncertain significance (1 of 4 stars; one submission).

Conditions:
Hereditary cancer-predisposing syndrome. Also called: Neoplastic Syndromes, Hereditary; Hereditary Cancer Syndrome; Tumor predisposition; Hereditary neoplastic syndrome. Identifiers: Orphanet 140162, MedGen C0027672, MeSH D009386, MONDO:0015356.

Submission:

Ambry Genetics
Classification: Uncertain significance for Hereditary cancer-predisposing syndrome. Last evaluated: 2023-03-09. Review status: criteria provided, single submitter. Criteria: Ambry General Variant Classification Scheme_2022. Collection method: clinical testing. Allele origin: germline.
Comment: The p.G306E variant (also known as c.917G>A), located in coding exon 7 of the RAD51C gene, results from a G to A substitution at nucleotide position 917. The glycine at codon 306 is replaced by glutamic acid, an amino acid with similar properties. This amino acid position is highly conserved in available vertebrate species. In addition, the in silico prediction for this alteration is inconclusive. Since supporting evidence is limited at this time, the clinical significance of this alteration remains unclear.

NM_058216.3(RAD51C):c.917G>A (p.Gly306Glu)

Gene: RAD51C (RAD51 paralog C; plus strand). Cytogenetic location: 17q22.
Variant type: single nucleotide variant.
Coding change: c.917G>A on transcript NM_058216.3 (MANE Select); coding-DNA position 917, G replaced by A.
Protein change: p.Gly306Glu; replaces glycine 306 with glutamic acid.
Molecular consequence: missense variant. On other transcripts: non-coding transcript variant (1).
Genome position (GRCh38, 1-based): chr17:58,724,052, G>A. VCF-style: chr17-58724052-G-A. GRCh37 (hg19) VCF-style: chr17-56801413-G-A.
Other names: c.*345G>A (NM_058217.1); short protein forms G306E.
Identifiers: ClinVar variation 2447780 (VCV002447780.1), dbSNP rs2143961639, ClinGen allele CA400361323.
Genomic context (GRCh38, chr17:58,724,052, plus strand): 5'-AACCAAGTCAGTAAGGCCATATACAGTTATTATGTTTTTTACTCTCAGGGGAAAGTTGGG[G>A]ACATGCTGCTACAATACGGCTAATCTTTCATTGGGACCGAAAGCAAAGGTCAGTACAGAA-3'
Protein context (NP_478123.1, residues 296-316): LLVPALGESW[Gly306Glu]HAATIRLIFH